The following is an entry in ClinVar:

NM_003280.3(TNNC1):c.393C>T (p.Asp131=)

Gene: TNNC1 (troponin C1, slow skeletal and cardiac type; minus strand). Cytogenetic location: 3p21.1.
Variant type: single nucleotide variant.
Coding change: c.393C>T on transcript NM_003280.3 (MANE Select); coding-DNA position 393, C replaced by T.
Protein change: p.Asp131=; no amino-acid change (aspartic acid 131 retained).
Molecular consequence: synonymous variant.
Genome position (GRCh38, 1-based): chr3:52,451,452, G>A on the plus strand (C>T on the coding strand, the complement: TNNC1 is on the minus strand). VCF-style: chr3-52451452-G-A. GRCh37 (hg19) VCF-style: chr3-52485468-G-A.
Other names: c.393C>T (LRG_378t1).
Identifiers: ClinVar variation 383146 (VCV000383146.28), dbSNP rs147821122, ClinGen allele CA2438504.

ClinVar aggregate classification (germline): Likely benign. Review status: criteria provided, multiple submitters, no conflicts (2 of 4 stars). 9 submissions from 9 submitters: Likely benign (9). Last evaluated 2026-06-17.

Conditions:
Cardiomyopathy (CMYO). Also called: Cardiomyopathies. Identifiers: Orphanet 167848, MedGen C0878544, MONDO:0004994, HP:0001638. Inheritance: Various modes of inheritance.
Cardiovascular phenotype. Identifiers: MedGen CN230736.
TNNC1-related disorder. Also called: TNNC1-related condition.
Hypertrophic cardiomyopathy 13. Also called: TNNC1-Related Familial Hypertrophic Cardiomyopathy. Identifiers: MedGen C2750472, MONDO:0013195, OMIM 613243.
Dilated cardiomyopathy 1Z (CMD1Z). Identifiers: Orphanet 154, MedGen C2678475, MONDO:0012745, OMIM 611879.

Allele frequency attached by ClinVar (database versions not stated): ExAC 0.00005; TOPMed 0.00005; ESP Exome Variant Server 0.00008; gnomAD 0.00010; 1000 Genomes Project 30x 0.00016; 1000 Genomes Project 0.00020.

Submissions (9):

PreventionGenetics, part of Exact Sciences
Classification: Likely benign for TNNC1-related condition. Last evaluated: 2026-06-17. Review status: criteria provided, single submitter. Criteria: ACMG Guidelines, 2015. Collection method: clinical testing. Allele origin: germline.
Comment: This variant is classified as likely benign based on ACMG/AMP sequence variant interpretation guidelines (Richards et al. 2015 PMID: 25741868, with internal and published modifications).

Labcorp Genetics (formerly Invitae), Labcorp
Classification: Likely benign for Hypertrophic cardiomyopathy 13; Dilated cardiomyopathy 1Z. Last evaluated: 2025-12-24. Review status: criteria provided, single submitter. Criteria: Invitae Variant Classification Sherloc (09022015). Collection method: clinical testing. Allele origin: germline.

CeGaT Center for Human Genetics Tuebingen
Classification: Likely benign. Last evaluated: 2025-07-01. Review status: criteria provided, single submitter. Criteria: CeGaT Center For Human Genetics Tuebingen Variant Classification Criteria Version 2. Collection method: clinical testing. Allele origin: germline. Affected: yes. Observed: 1 variant allele.
Comment: TNNC1: BP4, BP7

Molecular Diagnostic Laboratory for Inherited Cardiovascular Disease, Montreal Heart Institute
Classification: Likely benign. Last evaluated: 2025-04-09. Review status: criteria provided, single submitter. Criteria: ACMG Guidelines, 2015. Collection method: clinical testing. Allele origin: germline. Affected: no.

Blueprint Genetics
Classification: Likely benign. Last evaluated: 2024-08-22. Review status: criteria provided, single submitter. Criteria: ACMG Guidelines, 2015. Collection method: clinical testing. Allele origin: germline.

Ambry Genetics
Classification: Likely benign for Cardiovascular phenotype. Last evaluated: 2020-04-24. Review status: criteria provided, single submitter. Criteria: Ambry Variant Classification Scheme 2023. Collection method: clinical testing. Allele origin: germline.

GeneDx
Classification: Likely benign. Last evaluated: 2020-03-26. Review status: criteria provided, single submitter. Criteria: GeneDx Variant Classification Process June 2021. Collection method: clinical testing. Allele origin: germline. Affected: yes.

CHEO Genetics Diagnostic Laboratory, Children's Hospital of Eastern Ontario
Classification: Likely benign for Cardiomyopathy. Last evaluated: 2018-01-02. Review status: criteria provided, single submitter. Criteria: ACMG Guidelines, 2015. Collection method: clinical testing. Allele origin: germline.

Breakthrough Genomics
Classification: Likely benign. Review status: criteria provided, single submitter. Criteria: ACMG Guidelines, 2015. Collection method: not provided. Allele origin: germline. Inheritance: Autosomal dominant inheritance. Affected: yes.